The following is an entry in ClinVar:

ClinVar aggregate classification (germline): Likely pathogenic. Review status: criteria provided, multiple submitters, no conflicts (2 of 4 stars). 4 submissions from 4 submitters: Likely pathogenic (2). 2 of the submissions do not count toward it. Last evaluated 2016-02-19.

Conditions:
Takenouchi-Kosaki syndrome. Also called: MACROTHROMBOCYTOPENIA AND MENTAL RETARDATION SYNDROME; Macrothrombocytopenia-lymphedema-developmental delay-facial dysmorphism-camptodactyly syndrome. Identifiers: Orphanet 487796, MedGen C4225222, MONDO:0014757, OMIM 616737.
Neurodevelopmental abnormality. Identifiers: MedGen C4022737, HP:0012759.
Postnatal growth retardation. Identifiers: MedGen C1859778, HP:0008897.
Abnormality of blood and blood-forming tissues. Identifiers: MedGen C0850715, HP:0001871.
Abnormality of the immune system. Identifiers: MedGen C4021753, HP:0002715.
Abnormal facial shape. Also called: Dysmorphic facies; Dysmorphic facial features. Identifiers: MedGen C0424503, HP:0001999.

Submissions (4):

GeneDx
Classification: Likely pathogenic. Last evaluated: 2016-02-19. Review status: criteria provided, single submitter. Criteria: GeneDx Variant Classification (06012015). Collection method: clinical testing. Allele origin: germline. Affected: yes.
Comment: The C81F variant in the CDC42 gene has not been reported previously as a pathogenic variant, nor as a benign variant, to our knowledge. This variant was not observed in approximately 6500 individuals of European and African American ancestry in the NHLBI Exome Sequencing Project, indicating it is not a common benign variant in these populations. The C81F variant is a non-conservative amino acid substitution, which is likely to impact secondary protein structure as these residues differ in polarity, charge, size and/or other properties. This substitution occurs at a position that is conserved across species, and in silico analysis predicts this variant is probably damaging to the protein structure/function. We interpret C81F as a likely pathogenic variant.However, the possibility it may be a rare benign variant cannot be excluded

Juno Genomics, Hangzhou Juno Genomics, Inc
Classification: Likely pathogenic for Takenouchi-Kosaki syndrome. Review status: criteria provided, single submitter. Criteria: ACMG Guidelines, 2015. Collection method: clinical testing. Allele origin: germline. Affected: yes.
Comment: Absent from controls (or at extremely low frequency if recessive) in Genome Aggregation Database, Exome Sequencing Project, 1000 Genomes Project, or Exome Aggregation Consortium.;Multiple lines of computational evidence support a deleterious effect on the gene or gene product (conservation, evolutionary, splicing impact, etc).;Assumed de novo, but without confirmation of paternity and maternity.;The prevalence of the variant in affected individuals is significantly increased compared to the prevalence in controls.;Patient's phenotype or family history is highly specific for a disease with a single genetic etiology.

OMIM
Classification: Pathogenic for TAKENOUCHI-KOSAKI SYNDROME. Last evaluated: 2023-03-21. Review status: no assertion criteria provided. Collection method: literature only. Allele origin: germline. Not counted in ClinVar's aggregate classification.

University of Washington Center for Mendelian Genomics, University of Washington
Classification: Likely pathogenic for Postnatal growth retardation; Abnormal facial shape; Neurodevelopmental abnormality; Abnormality of the immune system; Abnormality of blood and blood-forming tissues. Review status: no assertion criteria provided. Collection method: research. Allele origin: de novo. Affected: yes. Not counted in ClinVar's aggregate classification.

Literature cited by the submitters: PubMed 29394990 (cited by OMIM and University of Washington Center for Mendelian Genomics, University of Washington).

NM_001791.4(CDC42):c.242G>T (p.Cys81Phe)

Gene: CDC42 (cell division cycle 42; plus strand). Cytogenetic location: 1p36.12.
Variant type: single nucleotide variant.
Coding change: c.242G>T on transcript NM_001791.4 (MANE Select); coding-DNA position 242, G replaced by T.
Protein change: p.Cys81Phe; replaces cysteine 81 with phenylalanine.
Molecular consequence: missense variant.
Genome position (GRCh38, 1-based): chr1:22,086,502, G>T. VCF-style: chr1-22086502-G-T. GRCh37 (hg19) VCF-style: chr1-22412995-G-T.
Other names: c.242G>T, p.Cys81Phe (NM_001039802.2, NM_044472.3); short protein forms C81F.
Identifiers: ClinVar variation 432071 (VCV000432071.6), dbSNP rs1553196100, ClinGen allele CA338906826.